The following is an entry in ClinVar:

NM_001080.3(ALDH5A1):c.709G>T (p.Ala237Ser)

Gene: ALDH5A1 (aldehyde dehydrogenase 5 family member A1; plus strand). Cytogenetic location: 6p22.3.
Variant type: single nucleotide variant.
Coding change: c.709G>T on transcript NM_001080.3 (MANE Select); coding-DNA position 709, G replaced by T.
Protein change: p.Ala237Ser; replaces alanine 237 with serine.
Molecular consequence: missense variant.
Genome position (GRCh38, 1-based): chr6:24,504,968, G>T. VCF-style: chr6-24504968-G-T. GRCh37 (hg19) VCF-style: chr6-24505196-G-T.
Other names: c.709G>T, p.Ala237Ser (NM_001368954.1, NM_170740.1); short protein forms A237S.
Identifiers: ClinVar variation 218854 (VCV000218854.23), dbSNP rs62621664, ClinGen allele CA248940.

ClinVar aggregate classification (germline): Benign/Likely benign. Review status: criteria provided, multiple submitters, no conflicts (2 of 4 stars). 8 submissions from 8 submitters: Benign (5); Likely benign (3). Last evaluated 2026-02-03.

Conditions:
Succinate-semialdehyde dehydrogenase deficiency (SSADHD). Also called: GABA METABOLIC DEFECT; Succinic Semialdehyde Dehydrogenase Deficiency; 4-HYDROXYBUTYRIC ACIDURIA; SSADH DEFICIENCY. Identifiers: Orphanet 22, MedGen C0268631, MONDO:0010083, OMIM 271980.

Allele frequency attached by ClinVar (database versions not stated): 1000 Genomes Project 30x 0.00640; 1000 Genomes Project 0.00679; TOPMed 0.01205; ESP Exome Variant Server 0.01392.
gnomAD v4.1: 23,089 of 1,614,082 alleles (1.4%); highest among the groups gnomAD compares: Middle Eastern, 1.7%; 231 homozygotes.

Submissions (8):

Labcorp Genetics (formerly Invitae), Labcorp
Classification: Benign for Succinate-semialdehyde dehydrogenase deficiency. Last evaluated: 2026-02-03. Review status: criteria provided, single submitter. Criteria: Invitae Variant Classification Sherloc (09022015). Collection method: clinical testing. Allele origin: germline.

Mayo Clinic Laboratories, Mayo Clinic
Classification: Benign. Last evaluated: 2025-07-31. Review status: criteria provided, single submitter. Criteria: ACMG Guidelines, 2015. Collection method: clinical testing. Allele origin: germline. Observed: 20 variant alleles.
Comment: BA1, BS2

Blueprint Genetics
Classification: Likely benign. Last evaluated: 2024-11-27. Review status: criteria provided, single submitter. Criteria: ACMG Guidelines, 2015. Collection method: clinical testing. Allele origin: germline.

GeneDx
Classification: Benign. Last evaluated: 2018-08-06. Review status: criteria provided, single submitter. Criteria: GeneDx Variant Classification Process June 2021. Collection method: clinical testing. Allele origin: germline. Affected: yes.
Comment: This variant is associated with the following publications: (PMID: 29895405, 19164088, 12208142)

Illumina Laboratory Services, Illumina
Classification: Likely benign for Succinate-semialdehyde dehydrogenase deficiency. Last evaluated: 2017-04-27. Review status: criteria provided, single submitter. Criteria: ICSL Variant Classification Criteria 13 December 2019. Collection method: clinical testing. Allele origin: germline.
Comment: This variant was observed as part of a predisposition screen in an ostensibly healthy population. A literature search was performed for the gene, cDNA change, and amino acid change (where applicable). Publications were found based on this search. The evidence from the literature, in combination with allele frequency data from public databases where available, was sufficient to determine this variant is unlikely to cause disease. Therefore, this variant is classified as likely benign.

Eurofins Ntd Llc (ga)
Classification: Benign. Last evaluated: 2015-10-21. Review status: criteria provided, single submitter. Criteria: EGL Classification Definitions 2015. Collection method: clinical testing. Allele origin: germline. Observed: 1 variant allele, 1 heterozygote.

Genomic Diagnostic Laboratory, Division of Genomic Diagnostics, Children's Hospital of Philadelphia
Classification: Benign. Last evaluated: 2015-10-12. Review status: criteria provided, single submitter. Criteria: DGD Variant Analysis Guidelines. Collection method: clinical testing. Allele origin: unknown.

Breakthrough Genomics
Classification: Likely benign. Review status: criteria provided, single submitter. Criteria: ACMG Guidelines, 2015. Collection method: not provided. Allele origin: germline. Inheritance: Autosomal recessive inheritance. Affected: yes.

Literature cited by the submitters: PubMed 14523039 (cited by Illumina Laboratory Services, Illumina); PubMed 12208142 (cited by Illumina Laboratory Services, Illumina); PubMed 10633133 (cited by Illumina Laboratory Services, Illumina); PubMed 12507422 (cited by Illumina Laboratory Services, Illumina); PubMed 16115930 (cited by Illumina Laboratory Services, Illumina).